The following is an entry in ClinVar:

ClinVar aggregate classification (germline): Conflicting classifications of pathogenicity. Review status: criteria provided, conflicting classifications (1 of 4 stars). 3 submissions from 3 submitters: Uncertain significance (1); Likely benign (2). Last evaluated 2024-01-03.

Conditions:
Familial focal epilepsy with variable foci (FPEVF). Identifiers: Orphanet 98820, MedGen C1858477, MONDO:0020310.
Inborn genetic diseases. Identifiers: MedGen C0950123, MeSH D030342.

Allele frequency attached by ClinVar (database versions not stated): gnomAD 0.00007.
gnomAD v4.1: 147 of 1,613,772 alleles (0.0091%); highest among the groups gnomAD compares: Non-Finnish European, 0.0034%; no homozygotes.

Submissions (3):

Labcorp Genetics (formerly Invitae), Labcorp
Classification: Likely benign for Familial focal epilepsy with variable foci. Last evaluated: 2024-01-03. Review status: criteria provided, single submitter. Criteria: Invitae Variant Classification Sherloc (09022015). Collection method: clinical testing. Allele origin: germline.

Blueprint Genetics
Classification: Likely benign. Last evaluated: 2023-08-09. Review status: criteria provided, single submitter. Criteria: ACMG Guidelines, 2015. Collection method: clinical testing. Allele origin: germline.

Ambry Genetics
Classification: Uncertain significance for Inborn genetic diseases. Last evaluated: 2016-10-19. Review status: criteria provided, single submitter. Criteria: Ambry Variant Classification Scheme 2023. Collection method: clinical testing. Allele origin: germline.
Comment: The p.A431S variant (also known as c.1291G>T), located in coding exon 18 of the DEPDC5 gene, results from a G to T substitution at nucleotide position 1291. The alanine at codon 431 is replaced by serine, an amino acid with similar properties. This variant was not reported in population based cohorts in the following databases: Database of Single Nucleotide Polymorphisms (dbSNP), NHLBI Exome Sequencing Project (ESP), and 1000 Genomes Project. In the ESP, this variant was not observed in 5907 samples (11814 alleles) with coverage at this position. Based on data from ExAC, the T allele has an overall frequency of approximately 0.03% (40/120682) total alleles studied. The highest observed frequency was 0.26% (17/6612) of Finnish alleles.This amino acid position is well conserved in available vertebrate species. In addition, this alteration is predicted to be tolerated by in silico analysis. Since supporting evidence is limited at this time, the clinical significance of this alteration remains unclear.

NM_001242896.3(DEPDC5):c.1291G>T (p.Ala431Ser)

Gene: DEPDC5 (DEP domain containing 5, GATOR1 subcomplex subunit; plus strand). Cytogenetic location: 22q12.3.
Variant type: single nucleotide variant.
Coding change: c.1291G>T on transcript NM_001242896.3 (MANE Select); coding-DNA position 1291, G replaced by T.
Protein change: p.Ala431Ser; replaces alanine 431 with serine.
Molecular consequence: missense variant. On other transcripts: non-coding transcript variant (5).
Genome position (GRCh38, 1-based): chr22:31,809,614, G>T. VCF-style: chr22-31809614-G-T. GRCh37 (hg19) VCF-style: chr22-32205600-G-T.
Other names: c.1291G>T, p.Ala431Ser (NM_001007188.4, NM_001136029.4, NM_001242897.2 and 7 more transcripts); c.1207G>T, p.Ala403Ser (NM_001369901.1, NM_001369902.1); short protein forms A431S, A403S.
Identifiers: ClinVar variation 589903 (VCV000589903.14), dbSNP rs777844378, ClinGen allele CA10196319.